The following is an entry in ClinVar:

NM_001042492.3(NF1):c.7189+8A>G

Gene: NF1 (neurofibromin 1; plus strand). Cytogenetic location: 17q11.2.
Variant type: single nucleotide variant.
Coding change: c.7189+8A>G on transcript NM_001042492.3 (MANE Select); 8 bases into the intron after coding-DNA position 7189, A replaced by G.
Molecular consequence: intron variant.
Genome position (GRCh38, 1-based): chr17:31,343,143, A>G. VCF-style: chr17-31343143-A-G. GRCh37 (hg19) VCF-style: chr17-29670161-A-G.
Other names: c.7126+8A>G (NM_000267.4).
Identifiers: ClinVar variation 412985 (VCV000412985.12), dbSNP rs750100211, ClinGen allele CA8487510.

ClinVar aggregate classification (germline): Likely benign. Review status: criteria provided, multiple submitters, no conflicts (2 of 4 stars). 3 submissions from 3 submitters: Likely benign (3). Last evaluated 2026-05-13.

Conditions:
Neurofibromatosis, type 1 (NF1). Also called: VON RECKLINGHAUSEN DISEASE; NEUROFIBROMATOSIS, TYPE I, SOMATIC; Peripheral type neurofibromatosis; Neurofibromatosis, type I. Identifiers: Orphanet 636, MedGen C0027831, MONDO:0018975, OMIM 162200. Disease mechanism: loss of function.

Allele frequency attached by ClinVar (database versions not stated): gnomAD exomes below 0.00001 and 0.00002; TOPMed below 0.00001; ExAC 0.00002.
gnomAD v4.1: 2 of 1,606,358 alleles (0.00012%); highest among the groups gnomAD compares: East Asian, 0.0045%; no homozygotes.

Submissions (3):

Myriad Genetics, Inc.
Classification: Likely benign for Neurofibromatosis, type 1. Last evaluated: 2026-05-13. Review status: criteria provided, single submitter. Criteria: Myriad Autosomal Dominant, Autosomal Recessive and X-Linked Classification Criteria (2023). Collection method: clinical testing. Allele origin: unknown.
Comment: This variant is considered likely benign. This variant is intronic and is not expected to impact mRNA splicing.

Labcorp Genetics (formerly Invitae), Labcorp
Classification: Likely benign for Neurofibromatosis, type 1. Last evaluated: 2025-10-10. Review status: criteria provided, single submitter. Criteria: Invitae Variant Classification Sherloc (09022015). Collection method: clinical testing. Allele origin: germline.

Blueprint Genetics
Classification: Likely benign. Last evaluated: 2020-01-09. Review status: criteria provided, single submitter. Criteria: ACMG Guidelines, 2015. Collection method: clinical testing. Allele origin: germline.